The following is an entry in ClinVar:

NM_000234.3(LIG1):c.2359A>T (p.Ser787Cys)

Gene: LIG1 (DNA ligase 1; minus strand). Cytogenetic location: 19q13.33.
Variant type: single nucleotide variant.
Coding change: c.2359A>T on transcript NM_000234.3 (MANE Select); coding-DNA position 2359, A replaced by T.
Protein change: p.Ser787Cys; replaces serine 787 with cysteine.
Molecular consequence: missense variant. On other transcripts: non-coding transcript variant (6).
Genome position (GRCh38, 1-based): chr19:48,121,196, T>A on the plus strand (A>T on the coding strand, the complement: LIG1 is on the minus strand). VCF-style: chr19-48121196-T-A. GRCh37 (hg19) VCF-style: chr19-48624453-T-A.
Other names: c.2266A>T, p.Ser756Cys (NM_001289063.2); c.2155A>T, p.Ser719Cys (NM_001289064.2); c.2356A>T, p.Ser786Cys (NM_001320970.2); c.2269A>T, p.Ser757Cys (NM_001320971.2); c.2359A>T (NM_000234.1); short protein forms S756C, S786C, S719C, S787C, S757C.
Identifiers: ClinVar variation 1411939 (VCV001411939.7), dbSNP rs548077697, ClinGen allele CA9546449.

ClinVar aggregate classification (germline): Uncertain significance. Review status: criteria provided, multiple submitters, no conflicts (2 of 4 stars). 2 submissions from 2 submitters: Uncertain significance (2). Last evaluated 2025-08-28.

Allele frequency attached by ClinVar (database versions not stated): 1000 Genomes Project 30x 0.00031; 1000 Genomes Project 0.00040; TOPMed 0.00043.
gnomAD v4.1: 46 of 1,614,110 alleles (0.0028%); highest among the groups gnomAD compares: Admixed American, 0.058%; no homozygotes.

Submissions (2):

Ambry Genetics
Classification: Uncertain significance. Last evaluated: 2025-08-28. Review status: criteria provided, single submitter. Criteria: Ambry Variant Classification Scheme 2023. Collection method: clinical testing. Allele origin: germline.

Labcorp Genetics (formerly Invitae), Labcorp
Classification: Uncertain significance. Last evaluated: 2023-08-17. Review status: criteria provided, single submitter. Criteria: Invitae Variant Classification Sherloc (09022015). Collection method: clinical testing. Allele origin: germline.
Comment: In summary, the available evidence is currently insufficient to determine the role of this variant in disease. Therefore, it has been classified as a Variant of Uncertain Significance. This sequence change replaces serine, which is neutral and polar, with cysteine, which is neutral and slightly polar, at codon 787 of the LIG1 protein (p.Ser787Cys). This variant is present in population databases (rs548077697, gnomAD 0.01%). This variant has not been reported in the literature in individuals affected with LIG1-related conditions. ClinVar contains an entry for this variant (Variation ID: 1411939). An algorithm developed to predict the effect of missense changes on protein structure and function (PolyPhen-2) suggests that this variant¬†is likely to be tolerated.